The following is an entry in ClinVar:

NM_000444.6(PHEX):c.1483-7T>C

Gene: PHEX (phosphate regulating endopeptidase X-linked; plus strand). Cytogenetic location: Xp22.11.
Variant type: single nucleotide variant.
Coding change: c.1483-7T>C on transcript NM_000444.6 (MANE Select); 7 bases into the intron before coding-DNA position 1483, T replaced by C.
Molecular consequence: intron variant.
Genome position (GRCh38, 1-based): chrX:22,178,266, T>C. VCF-style: chrX-22178266-T-C. GRCh37 (hg19) VCF-style: chrX-22196383-T-C.
Other names: p.?; c.1483-7T>C (NM_001282754.2).
Identifiers: ClinVar variation 913425 (VCV000913425.9), dbSNP rs369175587, ClinGen allele CA10368278.

ClinVar aggregate classification (germline): Benign/Likely benign. Review status: criteria provided, multiple submitters, no conflicts (2 of 4 stars). 3 submissions from 3 submitters: Benign (1); Likely benign (2). Last evaluated 2025-12-07.

Conditions:
Familial X-linked hypophosphatemic vitamin D refractory rickets (XLHRD). Also called: HYPOPHOSPHATEMIC VITAMIN D-RESISTANT RICKETS; X-Linked Hypophosphatemia; Hypophosphatemia, vitamin D-resistant rickets; Vitamin D-resistant rickets, X-linked; Hypophosphatemic Rickets, X-Linked Dominant. Identifiers: Orphanet 89936, MedGen C0733682, MONDO:0010619, OMIM 307800.

Allele frequency attached by ClinVar (database versions not stated): gnomAD exomes 0.00017 and 0.00040; TOPMed 0.00019; gnomAD 0.00020; ExAC 0.00022; ESP Exome Variant Server 0.00028.
gnomAD v4.1: 433 of 1,139,447 alleles (0.038%); highest among the groups gnomAD compares: Non-Finnish European, 0.05%; no homozygotes.

Submissions (3):

Labcorp Genetics (formerly Invitae), Labcorp
Classification: Benign. Last evaluated: 2025-12-07. Review status: criteria provided, single submitter. Criteria: Invitae Variant Classification Sherloc (09022015). Collection method: clinical testing. Allele origin: germline.

Mayo Clinic Laboratories, Mayo Clinic
Classification: Likely benign. Last evaluated: 2025-11-06. Review status: criteria provided, single submitter. Criteria: ACMG Guidelines, 2015. Collection method: clinical testing. Allele origin: germline. Observed: 1 variant allele.
Comment: BP4, BP7

Illumina Laboratory Services, Illumina
Classification: Likely benign for Familial X-linked hypophosphatemic vitamin D refractory rickets. Last evaluated: 2018-01-13. Review status: criteria provided, single submitter. Criteria: ICSL Variant Classification Criteria 13 December 2019. Collection method: clinical testing. Allele origin: germline.
Comment: This variant was observed in the ICSL laboratory as part of a predisposition screen in an ostensibly healthy population. It had not been previously curated by ICSL or reported in the Human Gene Mutation Database (HGMD: prior to June 1st, 2018), and was therefore a candidate for classification through an automated scoring system. Utilizing variant allele frequency, disease prevalence and penetrance estimates, and inheritance mode, an automated score was calculated to assess if this variant is too frequent to cause the disease. Based on the score and internal cut-off values, a variant classified as likely benign is not then subjected to further curation. The score for this variant resulted in a classification of likely benign for this disease.